The following is an entry in ClinVar:

ClinVar aggregate classification (germline): Uncertain significance. Review status: criteria provided, multiple submitters, no conflicts (2 of 4 stars). 2 submissions from 2 submitters: Uncertain significance (2). Last evaluated 2023-12-18.

Conditions:
Malignant hyperthermia, susceptibility to, 1 (MHS1). Also called: RYR1-Related Malignant Hyperthermia Susceptibility; Anesthesia related hyperthermia; Malignant hyperpyrexia; Fulminating hyperpyrexia; Pharmacogenic myopathy; Malignant hyperthermia suceptibility 1. Identifiers: Orphanet 423, MedGen C2930980, MONDO:0007783, OMIM 145600.
RYR1-related disorder. Also called: RYR1-related disorders; RYR1-related condition. Identifiers: MedGen CN239331.

Submissions (2):

All of Us Research Program, National Institutes of Health
Classification: Uncertain significance for Malignant hyperthermia, susceptibility to, 1. Last evaluated: 2023-12-18. Review status: criteria provided, single submitter. Criteria: ACMG Guidelines, 2015. Collection method: clinical testing. Allele origin: germline. Inheritance: Autosomal dominant inheritance. Observed: 1 variant allele, 1 heterozygote.
Comment: This missense variant replaces leucine with phenylalanine at codon 3405 of the RYR1 protein. Computational prediction is inconclusive regarding the impact of this variant on protein structure and function (internally defined REVEL score threshold 0.5 < inconclusive < 0.7, PMID: 27666373). To our knowledge, functional studies have not been reported for this variant. This variant has not been reported in individuals affected with RYR1-related disorders in the literature. This variant has not been identified in the general population by the Genome Aggregation Database (gnomAD). The available evidence is insufficient to determine the role of this variant in disease conclusively. Therefore, this variant is classified as a Variant of Uncertain Significance.

This study involves interpretation of variants in research participants for the purpose of population health screening. Participant phenotype was not available at the time of variant classification. Additional details can be found in publication PMID: 35346344, PMCID: PMC8962531

Labcorp Genetics (formerly Invitae), Labcorp
Classification: Uncertain significance for RYR1-related disorder. Last evaluated: 2021-08-26. Review status: criteria provided, single submitter. Criteria: Invitae Variant Classification Sherloc (09022015). Collection method: clinical testing. Allele origin: germline.
Comment: This sequence change replaces leucine with phenylalanine at codon 3405 of the RYR1 protein (p.Leu3405Phe). The leucine residue is highly conserved and there is a small physicochemical difference between leucine and phenylalanine. This variant is not present in population databases (ExAC no frequency). This variant has not been reported in the literature in individuals affected with RYR1-related conditions. Algorithms developed to predict the effect of missense changes on protein structure and function are either unavailable or do not agree on the potential impact of this missense change (SIFT: "Deleterious"; PolyPhen-2: "Benign"; Align-GVGD: "Class C0"). In summary, the available evidence is currently insufficient to determine the role of this variant in disease. Therefore, it has been classified as a Variant of Uncertain Significance.

NM_000540.3(RYR1):c.10213C>T (p.Leu3405Phe)

Gene: RYR1 (ryanodine receptor 1; plus strand). Cytogenetic location: 19q13.2.
Variant type: single nucleotide variant.
Coding change: c.10213C>T on transcript NM_000540.3 (MANE Select); coding-DNA position 10213, C replaced by T.
Protein change: p.Leu3405Phe; replaces leucine 3405 with phenylalanine.
Molecular consequence: missense variant.
Genome position (GRCh38, 1-based): chr19:38,519,408, C>T. VCF-style: chr19-38519408-C-T. GRCh37 (hg19) VCF-style: chr19-39010048-C-T.
Other names: c.10213C>T, p.Leu3405Phe (NM_001042723.2); short protein forms L3405F.
Identifiers: ClinVar variation 1057626 (VCV001057626.7), dbSNP rs2145689439, ClinGen allele CA405696490.